The following is an entry in ClinVar:

NM_004006.3(DMD):c.1705-1G>T

Gene: DMD (dystrophin; minus strand). Cytogenetic location: Xp21.1.
Variant type: single nucleotide variant.
Coding change: c.1705-1G>T on transcript NM_004006.3 (MANE Select); the canonical splice acceptor site of the intron before coding-DNA position 1705, G replaced by T.
Molecular consequence: splice acceptor variant.
Genome position (GRCh38, 1-based): chrX:32,573,638, C>A on the plus strand (G>T on the coding strand, the complement: DMD is on the minus strand). VCF-style: chrX-32573638-C-A. GRCh37 (hg19) VCF-style: chrX-32591755-C-A.
Other names: c.1681-1G>T (NM_000109.4); c.1693-1G>T (NM_004009.3); c.1336-1G>T (NM_004010.3).
Identifiers: ClinVar variation 239601 (VCV000239601.11), dbSNP rs878854619, ClinGen allele CA10583947.

ClinVar aggregate classification (germline): Pathogenic/Likely pathogenic. Review status: criteria provided, multiple submitters, no conflicts (2 of 4 stars). 2 submissions from 2 submitters: Pathogenic (1); Likely pathogenic (1). Last evaluated 2023-03-20.

Conditions:
Duchenne muscular dystrophy (DMD). Also called: Duchenne Muscular Dystrophy (DMD); MUSCULAR DYSTROPHY, PSEUDOHYPERTROPHIC PROGRESSIVE, DUCHENNE TYPE. Identifiers: Orphanet 98896, MedGen C0013264, MONDO:0010679, OMIM 310200.

Submissions (2):

Revvity Omics, Revvity
Classification: Likely pathogenic. Last evaluated: 2023-03-20. Review status: criteria provided, single submitter. Criteria: ACMG Guidelines, 2015. Collection method: clinical testing. Allele origin: germline.

Labcorp Genetics (formerly Invitae), Labcorp
Classification: Pathogenic for Duchenne muscular dystrophy. Last evaluated: 2016-03-02. Review status: criteria provided, single submitter. Criteria: Invitae Variant Classification Sherloc (09022015). Collection method: clinical testing. Allele origin: germline.
Comment: For these reasons, this variant has been classified as Pathogenic. Truncating variants in DMD are known to be pathogenic. While this particular variant has not been previously reported in the literature, it is likely to disrupt the splicing of exon 15 and a deletion of exon 15 has been previously reported in a Duchenne muscular dystrophy patient (PMID: 17854090). This sequence change affects an acceptor splice site in intron 14. It is expected to disrupt mRNA splicing and likely results in a truncated or disrupted protein product.

Literature cited by the submitters: PubMed 17854090 (cited by Labcorp Genetics (formerly Invitae), Labcorp).